The following is an entry in ClinVar:

NM_001099402.2(CCNK):c.33A>G (p.Ser11=)

Gene: CCNK (cyclin K; plus strand). Cytogenetic location: 14q32.2.
Variant type: single nucleotide variant.
Coding change: c.33A>G on transcript NM_001099402.2 (MANE Select); coding-DNA position 33, A replaced by G.
Protein change: p.Ser11=; no amino-acid change (serine 11 retained).
Molecular consequence: synonymous variant.
Genome position (GRCh38, 1-based): chr14:99,492,710, A>G. VCF-style: chr14-99492710-A-G. GRCh37 (hg19) VCF-style: chr14-99959047-A-G.
Identifiers: ClinVar variation 2644506 (VCV002644506.25), dbSNP rs2069484, ClinGen allele CA7340548.

ClinVar aggregate classification (germline): Likely benign. Review status: criteria provided, multiple submitters, no conflicts (2 of 4 stars). 2 submissions from 2 submitters: Likely benign (2). Last evaluated 2024-11-13.

Allele frequency attached by ClinVar (database versions not stated): 1000 Genomes Project 0.00020; 1000 Genomes Project 30x 0.00031; TOPMed 0.00052; gnomAD 0.00056; gnomAD exomes 0.00060; ExAC 0.00066; ESP Exome Variant Server 0.00075.
gnomAD v4.1: 957 of 1,610,292 alleles (0.059%); highest among the groups gnomAD compares: Admixed American, 0.082%; no homozygotes.

Submissions (2):

Blueprint Genetics
Classification: Likely benign. Last evaluated: 2024-11-13. Review status: criteria provided, single submitter. Criteria: ACMG Guidelines, 2015. Collection method: clinical testing. Allele origin: germline.

CeGaT Center for Human Genetics Tuebingen
Classification: Likely benign. Last evaluated: 2023-02-01. Review status: criteria provided, single submitter. Criteria: CeGaT Center For Human Genetics Tuebingen Variant Classification Criteria Version 2. Collection method: clinical testing. Allele origin: germline. Affected: yes. Observed: 1 variant allele.
Comment: CCNK: BP7, BS1